The following is an entry in ClinVar:

NM_000368.5(TSC1):c.694G>T (p.Glu232Ter)

Gene: TSC1 (TSC complex subunit 1; minus strand). Cytogenetic location: 9q34.13.
Variant type: single nucleotide variant.
Coding change: c.694G>T on transcript NM_000368.5 (MANE Select); coding-DNA position 694, G replaced by T.
Protein change: p.Glu232Ter; replaces glutamic acid 232 with a stop codon.
Molecular consequence: nonsense.
Genome position (GRCh38, 1-based): chr9:132,921,406, C>A on the plus strand (G>T on the coding strand, the complement: TSC1 is on the minus strand). VCF-style: chr9-132921406-C-A. GRCh37 (hg19) VCF-style: chr9-135796793-C-A.
Other names: c.694G>T, p.Glu232Ter (NM_001162426.2); c.541G>T, p.Glu181Ter (NM_001162427.2); c.331G>T, p.Glu111Ter (NM_001362177.2); short protein forms E232*, E111*, E181*.
Identifiers: ClinVar variation 49084 (VCV000049084.8), dbSNP rs118203429, ClinGen allele CA008043.

ClinVar aggregate classification (germline): Pathogenic. Review status: criteria provided, multiple submitters, no conflicts (2 of 4 stars). 3 submissions from 3 submitters: Pathogenic (2). 1 of the submissions does not count toward it. Last evaluated 2025-01-03.

Conditions:
Tuberous sclerosis 1 (TSC1). Identifiers: Orphanet 805, MedGen C1854465, MONDO:0008612, OMIM 191100.
Tuberous sclerosis syndrome (TSC). Also called: Tuberous Sclerosis Complex; Tuberous sclerosis. Identifiers: Orphanet 805, MedGen C0041341, MONDO:0001734.

Submissions (3):

GeneDx
Classification: Pathogenic. Last evaluated: 2025-01-03. Review status: criteria provided, single submitter. Criteria: GeneDx Variant Classification Process June 2021. Collection method: clinical testing. Allele origin: germline. Affected: yes.
Comment: Nonsense variant predicted to result in protein truncation or nonsense mediated decay in a gene for which loss of function is a known mechanism of disease; Not observed at significant frequency in large population cohorts (gnomAD); Has not been previously published as pathogenic or benign to our knowledge; This variant is associated with the following publications: (PMID: 25525159)

Labcorp Genetics (formerly Invitae), Labcorp
Classification: Pathogenic for Tuberous sclerosis 1. Last evaluated: 2024-07-22. Review status: criteria provided, single submitter. Criteria: Invitae Variant Classification Sherloc (09022015). Collection method: clinical testing. Allele origin: germline.
Comment: This sequence change creates a premature translational stop signal (p.Glu232*) in the TSC1 gene. It is expected to result in an absent or disrupted protein product. Loss-of-function variants in TSC1 are known to be pathogenic (PMID: 10227394, 17304050). This variant is not present in population databases (gnomAD no frequency). This variant has not been reported in the literature in individuals affected with TSC1-related conditions. ClinVar contains an entry for this variant (Variation ID: 49084). Algorithms developed to predict the effect of sequence changes on RNA splicing suggest that this variant may disrupt the consensus splice site. For these reasons, this variant has been classified as Pathogenic.

Tuberous sclerosis database (TSC1)
No classification provided. Condition: TSC. Review status: no classification provided. Criteria: Tuberous Sclerosis Database Assertion Criteria 2015. Collection method: curation. Allele origin: germline. Affected: yes. Not counted in ClinVar's aggregate classification.

Literature cited by the submitters: PubMed 10227394 (cited by Labcorp Genetics (formerly Invitae), Labcorp); PubMed 17304050 (cited by Labcorp Genetics (formerly Invitae), Labcorp).